The following is an entry in ClinVar:

ClinVar aggregate classification (germline): Uncertain significance (1 of 4 stars; one submission).

gnomAD v4.1: 1 of 1,607,664 alleles (0.000062%); highest among the groups gnomAD compares: East Asian, 0.0022%; no homozygotes.

Submission:

CeGaT Center for Human Genetics Tuebingen
Classification: Uncertain significance. Last evaluated: 2026-08-01. Review status: criteria provided, single submitter. Criteria: CeGaT Center For Human Genetics Tuebingen Variant Classification Criteria Version 2. Collection method: clinical testing. Allele origin: germline. Affected: yes. Observed: 1 variant allele.
Comment: COL4A4: PM2

NM_000092.5(COL4A4):c.2531A>G (p.Tyr844Cys)

Gene: COL4A4 (collagen type IV alpha 4 chain; minus strand). Cytogenetic location: 2q36.3.
Variant type: single nucleotide variant.
Coding change: c.2531A>G on transcript NM_000092.5 (MANE Select); coding-DNA position 2531, A replaced by G.
Protein change: p.Tyr844Cys; replaces tyrosine 844 with cysteine.
Molecular consequence: missense variant.
Genome position (GRCh38, 1-based): chr2:227,057,453, T>C on the plus strand (A>G on the coding strand, the complement: COL4A4 is on the minus strand). VCF-style: chr2-227057453-T-C. GRCh37 (hg19) VCF-style: chr2-227922169-T-C.
Other names: short protein forms Y844C.
Identifiers: ClinVar variation 5040668 (VCV005040668.1).
Genomic context (GRCh38, chr2:227,057,453, plus strand): 5'-TGTAAGTAGGGTAAGCCCCAGACCCTTCACAGTTCTTGACACTTACCTGGGCTACCTGGA[T>C]ACCCAGGGAGTCCCGGTTGCCCTGGTATCCCTGGAGCACCTCTTTCACAGGAATGGCCAG-3'
Protein context (NP_000083.3, residues 834-854): GIPGQPGLPG[Tyr844Cys]PGSPGAPGGK